The following is an entry in ClinVar:

NM_001029883.3(PCARE):c.3289C>T (p.Gln1097Ter)

Gene: PCARE (photoreceptor cilium actin regulator; minus strand). Cytogenetic location: 2p23.2.
Variant type: single nucleotide variant.
Coding change: c.3289C>T on transcript NM_001029883.3 (MANE Select); coding-DNA position 3289, C replaced by T.
Protein change: p.Gln1097Ter; replaces glutamine 1097 with a stop codon.
Molecular consequence: nonsense.
Genome position (GRCh38, 1-based): chr2:29,070,973, G>A on the plus strand (C>T on the coding strand, the complement: PCARE is on the minus strand). VCF-style: chr2-29070973-G-A. GRCh37 (hg19) VCF-style: chr2-29293839-G-A.
Other names: p.(Gln1097Ter); short protein forms Q1097*.
Identifiers: ClinVar variation 812237 (VCV000812237.17), dbSNP rs369937337, ClinGen allele CA1591972.
Genomic context (GRCh38, chr2:29,070,973, plus strand): 5'-CAGACACTTTGGCTATGACTGCTTGGCTGTCTTCAGAGTCTCTTGTTTCCTTGTGCTCCT[G>A]AGAAGGGGACATTGGGGGTGATGGGGAGGGAATCGAGAAAGGGGGGCTTGCTTCTGGGTG-3'

ClinVar aggregate classification (germline): Pathogenic/Likely pathogenic. Review status: criteria provided, multiple submitters, no conflicts (2 of 4 stars). 10 submissions from 10 submitters: Pathogenic (8); Likely pathogenic (1). 1 of the submissions does not count toward it. Last evaluated 2026-09-18.

Conditions:
Retinitis pigmentosa 54 (RP54). Identifiers: Orphanet 791, MedGen C3150691, MONDO:0013263, OMIM 613428.
C2ORF71 & PCARE-related disorders.
Retinitis pigmentosa (RP). Identifiers: Orphanet 791, MedGen C0035334, MeSH D012174, MONDO:0019200, OMIM 268000. Inheritance: Autosomal dominant, autosomal recessive and X linked inheritance.
PCARE-related disorder. Also called: PCARE-related condition.

Allele frequency attached by ClinVar (database versions not stated): gnomAD 0.00001 and 0.00002; gnomAD exomes 0.00003; ExAC 0.00004; TOPMed 0.00005.
gnomAD v4.1: 42 of 1,609,676 alleles (0.0026%); highest among the groups gnomAD compares: South Asian, 0.0055%; no homozygotes.

Submissions (10):

PreventionGenetics, part of Exact Sciences
Classification: Pathogenic for PCARE-related condition. Last evaluated: 2026-09-18. Review status: criteria provided, single submitter. Criteria: ACMG Guidelines, 2015. Collection method: clinical testing. Allele origin: germline.
Comment: The PCARE c.3289C>T variant is predicted to result in premature protein termination (p.Gln1097*). This variant has been reported in individuals with retinitis pigmentosa (see for example: Beryozkin et al. 2015. PubMed ID: 26306921; Table S2, Hayman et al. 2024. PubMed ID: 37798099; Table S2, Sharon et al. 2020. PubMed ID: 31456290). This variant is present in 0.0098% of alleles in individuals of South Asian descent in gnomAD. Nonsense variants in PCARE are an established mechanism of disease. This variant is interpreted as pathogenic.

Farin Genetics Laboratory
Classification: Pathogenic for Retinitis pigmentosa 54. Last evaluated: 2026-05-28. Review status: criteria provided, single submitter. Criteria: ACMG Guidelines, 2015. Collection method: clinical testing. Allele origin: germline. Inheritance: Autosomal recessive inheritance. Affected: yes. Observed: 1 variant allele, 1 homozygote.
Comment: The variant is predicted to introduce a premature termination codon and result in loss of normal PCARE protein function. Classification was performed according to ACMG/AMP 2015 criteria, considering predicted loss of function, rarity in population databases, recessive inheritance, and consistency of the retinal phenotype with PCARE-associated disease.

Genomic Medicine Center of Excellence, King Faisal Specialist Hospital and Research Centre
Classification: Pathogenic for Retinitis pigmentosa 54. Last evaluated: 2025-09-10. Review status: criteria provided, single submitter. Criteria: ACMG Guidelines, 2015. Collection method: clinical testing. Allele origin: germline.

Bioscientia Institut fuer Medizinische Diagnostik GmbH, Sonic Healthcare
Classification: Pathogenic for Retinitis pigmentosa 54. Last evaluated: 2025-04-15. Review status: criteria provided, single submitter. Criteria: ACMG Guidelines, 2015. Collection method: clinical testing. Allele origin: germline. Affected: yes.

Labcorp Genetics (formerly Invitae), Labcorp
Classification: Pathogenic. Last evaluated: 2024-11-05. Review status: criteria provided, single submitter. Criteria: Invitae Variant Classification Sherloc (09022015). Collection method: clinical testing. Allele origin: germline.
Comment: This sequence change creates a premature translational stop signal (p.Gln1097*) in the PCARE gene. It is expected to result in an absent or disrupted protein product. Loss-of-function variants in PCARE are known to be pathogenic (PMID: 20398886, 24339724, 26496393). This variant is present in population databases (rs369937337, gnomAD 0.01%). This premature translational stop signal has been observed in individual(s) with retinitis pigmentosa (PMID: 24780881, 26306921). ClinVar contains an entry for this variant (Variation ID: 812237). For these reasons, this variant has been classified as Pathogenic.

Blueprint Genetics
Classification: Pathogenic for C2ORF71 & PCARE-related disorders. Last evaluated: 2024-09-26. Review status: criteria provided, single submitter. Criteria: ACMG Guidelines, 2015. Collection method: clinical testing. Allele origin: germline. Affected: yes. Observed: 5 variant alleles.

GeneDx
Classification: Pathogenic. Last evaluated: 2023-05-22. Review status: criteria provided, single submitter. Criteria: GeneDx Variant Classification Process June 2021. Collection method: clinical testing. Allele origin: germline. Affected: yes.
Comment: Nonsense variant predicted to result in protein truncation or nonsense mediated decay in a gene for which loss of function is a known mechanism of disease; Not observed at significant frequency in large population cohorts (gnomAD); This variant is associated with the following publications: (PMID: 34426522, 24780881, 26306921, 31456290)

Department of Pathology and Laboratory Medicine, Sinai Health System
Classification: Likely pathogenic for Retinitis pigmentosa 54. Last evaluated: 2022-06-14. Review status: criteria provided, single submitter. Criteria: ACMG Guidelines, 2015. Collection method: research. Allele origin: germline.

Institute of Medical Genetics and Applied Genomics, University Hospital Tübingen
Classification: Pathogenic. Last evaluated: 2021-06-17. Review status: criteria provided, single submitter. Criteria: ACMG Guidelines, 2015. Collection method: clinical testing. Allele origin: germline. Inheritance: Autosomal recessive inheritance. Affected: yes.

Sharon lab, Hadassah-Hebrew University Medical Center
Classification: Pathogenic for Retinitis pigmentosa. Last evaluated: 2019-06-23. Review status: no assertion criteria provided. Collection method: research. Allele origin: inherited. Affected: yes. Not counted in ClinVar's aggregate classification.

Literature cited by the submitters: PubMed 24339724 (cited by Farin Genetics Laboratory and Labcorp Genetics (formerly Invitae), Labcorp); PubMed 20398886 (cited by Farin Genetics Laboratory and Labcorp Genetics (formerly Invitae), Labcorp); PubMed 26496393 (cited by Farin Genetics Laboratory and Labcorp Genetics (formerly Invitae), Labcorp); PubMed 24780881 (cited by Farin Genetics Laboratory and Labcorp Genetics (formerly Invitae), Labcorp); PubMed 26355662 (cited by Farin Genetics Laboratory); PubMed 26306921 (cited by Farin Genetics Laboratory and Labcorp Genetics (formerly Invitae), Labcorp).